The following is an entry in ClinVar:

NM_000080.4(CHRNE):c.1112G>A (p.Arg371Gln)

Genes: CHRNE (cholinergic receptor nicotinic epsilon subunit; minus strand), LOC130060041 (ATAC-STARR-seq lymphoblastoid silent region 8050; plus strand). Cytogenetic location: 17p13.2.
Variant type: single nucleotide variant.
Coding change: c.1112G>A on transcript NM_000080.4 (MANE Select); coding-DNA position 1112, G replaced by A.
Protein change: p.Arg371Gln; replaces arginine 371 with glutamine.
Molecular consequence: missense variant.
Genome position (GRCh38, 1-based): chr17:4,899,305, C>T on the plus strand (G>A on the coding strand, the complement: CHRNE is on the minus strand). VCF-style: chr17-4899305-C-T. GRCh37 (hg19) VCF-style: chr17-4802600-C-T.
Other names: short protein forms R371Q.
Identifiers: ClinVar variation 4738073 (VCV004738073.1).
Genomic context (GRCh38, chr17:4,899,305, plus strand): 5'-CTCCGTGGCTTTTTCAGTATCAGCTCCTCCGCGCGGAGCAATAAGCCCACCGACGACGCC[C>T]GCCTTGGGGGCGAGGCGGCCCGGGGGGCCTCGGGCGGCGGCGGGGAGCCCAGGAGGCGCG-3'
Protein context (NP_000071.1, residues 361-381): EAPRAASPPR[Arg371Gln]ASSVGLLLRA

ClinVar aggregate classification (germline): Uncertain significance (1 of 4 stars; one submission).

Conditions:
Congenital myasthenic syndrome 4A. Also called: CONGENITAL MYASTHENIC SYNDROME TYPE Ia1; MYASTHENIC SYNDROME, CONGENITAL, 4A, SLOW-CHANNEL, AUTOSOMAL RECESSIVE; Myasthenic syndrome, congenital, 4a, slow-channel. Identifiers: Orphanet 590, MedGen C4225413, MONDO:0011600, OMIM 605809.

Submission:

Labcorp Genetics (formerly Invitae), Labcorp
Classification: Uncertain significance for Congenital myasthenic syndrome 4A. Last evaluated: 2025-08-06. Review status: criteria provided, single submitter. Criteria: Invitae Variant Classification Sherloc (09022015). Collection method: clinical testing. Allele origin: germline.
Comment: This sequence change replaces arginine, which is basic and polar, with glutamine, which is neutral and polar, at codon 371 of the CHRNE protein (p.Arg371Gln). This variant is not present in population databases (gnomAD no frequency). This variant has not been reported in the literature in individuals affected with CHRNE-related conditions. Invitae Evidence Modeling of protein sequence and biophysical properties (such as structural, functional, and spatial information, amino acid conservation, physicochemical variation, residue mobility, and thermodynamic stability) indicates that this missense variant is not expected to disrupt CHRNE protein function with a negative predictive value of 95%. In summary, the available evidence is currently insufficient to determine the role of this variant in disease. Therefore, it has been classified as a Variant of Uncertain Significance.